The following is an entry in ClinVar:

NM_001243279.3(ACSF3):c.1501+1G>A

Gene: ACSF3 (acyl-CoA synthetase family member 3; plus strand). Cytogenetic location: 16q24.3.
Variant type: single nucleotide variant.
Coding change: c.1501+1G>A on transcript NM_001243279.3 (MANE Select); the canonical splice donor site of the intron after coding-DNA position 1501, G replaced by A.
Molecular consequence: splice donor variant.
Genome position (GRCh38, 1-based): chr16:89,145,402, G>A. VCF-style: chr16-89145402-G-A. GRCh37 (hg19) VCF-style: chr16-89211810-G-A.
Other names: c.1501+1G>A (NM_174917.4, NM_001127214.4, NM_174917.5); c.706+1G>A (NM_001284316.2).
Identifiers: ClinVar variation 2680459 (VCV002680459.7), dbSNP rs904050143, ClinGen allele CA397148266.

ClinVar aggregate classification (germline): Likely pathogenic. Review status: criteria provided, multiple submitters, no conflicts (2 of 4 stars). 5 submissions from 5 submitters: Likely pathogenic (5). Last evaluated 2025-10-13.

Conditions:
Combined malonic and methylmalonic acidemia. Identifiers: Orphanet 289504, MedGen C3280314, MONDO:0013661, OMIM 614265.

Allele frequency attached by ClinVar (database versions not stated): gnomAD exomes below 0.00001.
gnomAD v4.1: 2 of 1,614,068 alleles (0.00012%); highest among the groups gnomAD compares: East Asian, 0.0022%; no homozygotes.

Submissions (5):

Women's Health and Genetics/Laboratory Corporation of America, LabCorp
Classification: Likely pathogenic for Combined malonic and methylmalonic acidemia. Last evaluated: 2025-10-13. Review status: criteria provided, single submitter. Criteria: LabCorp Variant Classification Summary - May 2015. Collection method: clinical testing. Allele origin: germline.
Comment: Variant summary: ACSF3 c.1501+1G>A is located in a canonical splice-site and is predicted to affect mRNA splicing resulting in a significantly altered protein due to either exon skipping, shortening, or inclusion of intronic material. Variants that disrupt the consensus splice site are a relatively common cause of aberrant splicing and loss of ACSF3 function. Several computational tools predict a significant impact on normal splicing: Four predict the variant abolishes a canonical 5' splicing donor site. However, these predictions have yet to be confirmed by functional studies. The variant allele was found at a frequency of 8e-06 in 250608 control chromosomes. To our knowledge, no occurrence of c.1501+1G>A in individuals affected with ACSF3-related conditions and no experimental evidence demonstrating its impact on protein function have been reported. ClinVar contains an entry for this variant (Variation ID: 2680459). Based on the evidence outlined above, the variant was classified as likely pathogenic.

Natera, Inc.
Classification: Likely pathogenic for Combined malonic and methylmalonic aciduria. Last evaluated: 2025-08-27. Review status: criteria provided, single submitter. Criteria: Natera Variant Classification Schema (03/2026). Collection method: clinical testing. Allele origin: germline.
Comment: The c.1501+1G>A variant in ACSF3 is a canonical splice donor site variant predicted to affect pre-mRNA splicing, which may result in an abnormal transcript and altered protein product. This variant is expected to result in nonsense mediated decay, truncation, or a dysfunctional protein product. This variant is rare in the general population with a frequency below the threshold expected for the associated phenotype(s). Given the available evidence, this variant is classified as Likely Pathogenic.

Labcorp Genetics (formerly Invitae), Labcorp
Classification: Likely pathogenic for Combined malonic and methylmalonic acidemia. Last evaluated: 2024-01-18. Review status: criteria provided, single submitter. Criteria: Invitae Variant Classification Sherloc (09022015). Collection method: clinical testing. Allele origin: germline.
Comment: This sequence change affects a donor splice site in intron 9 of the ACSF3 gene. It is expected to disrupt RNA splicing. Variants that disrupt the donor or acceptor splice site typically lead to a loss of protein function (PMID: 16199547), and loss-of-function variants in ACSF3 are known to be pathogenic (PMID: 21841779, 26827111). This variant is present in population databases (no rsID available, gnomAD 0.006%). This variant has not been reported in the literature in individuals affected with ACSF3-related conditions. Algorithms developed to predict the effect of sequence changes on RNA splicing suggest that this variant may disrupt the consensus splice site. In summary, the currently available evidence indicates that the variant is pathogenic, but additional data are needed to prove that conclusively. Therefore, this variant has been classified as Likely Pathogenic.

Baylor Genetics
Classification: Likely pathogenic for Combined malonic and methylmalonic acidemia. Last evaluated: 2023-06-23. Review status: criteria provided, single submitter. Criteria: ACMG Guidelines, 2015. Collection method: clinical testing. Allele origin: unknown.

Kariminejad - Najmabadi Pathology & Genetics Center
Classification: Likely pathogenic for Combined malonic and methylmalonic acidemia. Review status: criteria provided, single submitter. Criteria: ACMG Guidelines, 2015. Collection method: clinical testing. Allele origin: germline. Affected: no.

Literature cited by the submitters: PubMed 16199547 (cited by Labcorp Genetics (formerly Invitae), Labcorp); PubMed 21841779 (cited by Labcorp Genetics (formerly Invitae), Labcorp); PubMed 26827111 (cited by Labcorp Genetics (formerly Invitae), Labcorp).